The following is an entry in ClinVar:

NM_001042424.3(NSD2):c.3379A>G (p.Ile1127Val)

Gene: NSD2 (nuclear receptor binding SET domain protein 2; plus strand). Cytogenetic location: 4p16.3.
Variant type: single nucleotide variant.
Coding change: c.3379A>G on transcript NM_001042424.3 (MANE Select); coding-DNA position 3379, A replaced by G.
Protein change: p.Ile1127Val; replaces isoleucine 1127 with valine.
Molecular consequence: missense variant.
Genome position (GRCh38, 1-based): chr4:1,974,869, A>G. VCF-style: chr4-1974869-A-G. GRCh37 (hg19) VCF-style: chr4-1976596-A-G.
Other names: c.3379A>G, p.Ile1127Val (NM_133330.3, NM_133331.3, NM_133335.4); c.3379A>G (NM_133330.2); short protein forms I1127V.
Identifiers: ClinVar variation 1680210 (VCV001680210.10), dbSNP rs2109020347, ClinGen allele CA355999299.

ClinVar aggregate classification (germline): Uncertain significance. Review status: criteria provided, multiple submitters, no conflicts (2 of 4 stars). 3 submissions from 3 submitters: Uncertain significance (3). Last evaluated 2026-08-17.

Conditions:
Inborn genetic diseases. Identifiers: MedGen C0950123, MeSH D030342.

Allele frequency attached by ClinVar (database versions not stated): gnomAD exomes below 0.00001.
gnomAD v4.1: 1 of 1,614,254 alleles (0.000062%); highest among the groups gnomAD compares: Non-Finnish European, 0.000085%; no homozygotes.

Submissions (3):

Ambry Genetics
Classification: Uncertain significance for Inborn genetic diseases. Last evaluated: 2026-08-17. Review status: criteria provided, single submitter. Criteria: Ambry Variant Classification Scheme 2023. Collection method: clinical testing. Allele origin: germline.

Labcorp Genetics (formerly Invitae), Labcorp
Classification: Uncertain significance. Last evaluated: 2025-12-10. Review status: criteria provided, single submitter. Criteria: Invitae Variant Classification Sherloc (09022015). Collection method: clinical testing. Allele origin: germline.
Comment: This sequence change replaces isoleucine, which is neutral and non-polar, with valine, which is neutral and non-polar, at codon 1127 of the WHSC1 protein (p.Ile1127Val). This variant is not present in population databases (gnomAD no frequency). This variant has not been reported in the literature in individuals affected with WHSC1-related conditions. ClinVar contains an entry for this variant (Variation ID: 1680210). Invitae Evidence Modeling of protein sequence and biophysical properties (such as structural, functional, and spatial information, amino acid conservation, physicochemical variation, residue mobility, and thermodynamic stability) indicates that this missense variant is not expected to disrupt WHSC1 protein function with a negative predictive value of 80%. In summary, the available evidence is currently insufficient to determine the role of this variant in disease. Therefore, it has been classified as a Variant of Uncertain Significance.

GeneDx
Classification: Uncertain significance. Last evaluated: 2025-06-23. Review status: criteria provided, single submitter. Criteria: GeneDx Variant Classification Process June 2021. Collection method: clinical testing. Allele origin: germline. Affected: yes.
Comment: Not observed at significant frequency in large population cohorts (gnomAD); In silico analysis suggests that this missense variant does not alter protein structure/function; Has not been previously published as pathogenic or benign to our knowledge